The following is an entry in ClinVar:

NM_001290043.2(TAP2):c.802G>T (p.Ala268Ser)

Gene: TAP2 (transporter 2, ATP binding cassette subfamily B member; minus strand). Cytogenetic location: 6p21.32.
Variant type: single nucleotide variant.
Coding change: c.802G>T on transcript NM_001290043.2 (MANE Select); coding-DNA position 802, G replaced by T.
Protein change: p.Ala268Ser; replaces alanine 268 with serine.
Molecular consequence: missense variant.
Genome position (GRCh38, 1-based): chr6:32,835,297, C>A on the plus strand (G>T on the coding strand, the complement: TAP2 is on the minus strand). VCF-style: chr6-32835297-C-A. GRCh37 (hg19) VCF-style: chr6-32803074-C-A.
Other names: c.802G>T, p.Ala268Ser (NM_000544.3, NM_018833.3); short protein forms A268S.
Identifiers: ClinVar variation 1019632 (VCV001019632.8), dbSNP rs1769343979, ClinGen allele CA363584565.

ClinVar aggregate classification (germline): Uncertain significance (1 of 4 stars; one submission).

Conditions:
MHC class I deficiency. Identifiers: Orphanet 34592, MedGen C6024714, MONDO:0011476.

Submission:

Labcorp Genetics (formerly Invitae), Labcorp
Classification: Uncertain significance for MHC class I deficiency 1. Last evaluated: 2023-11-27. Review status: criteria provided, single submitter. Criteria: Invitae Variant Classification Sherloc (09022015). Collection method: clinical testing. Allele origin: germline.
Comment: This sequence change replaces alanine, which is neutral and non-polar, with serine, which is neutral and polar, at codon 268 of the TAP2 protein (p.Ala268Ser). This variant is not present in population databases (gnomAD no frequency). This variant has not been reported in the literature in individuals affected with TAP2-related conditions. ClinVar contains an entry for this variant (Variation ID: 1019632). Experimental studies and prediction algorithms are not available or were not evaluated, and the functional significance of this variant is currently unknown. In summary, the available evidence is currently insufficient to determine the role of this variant in disease. Therefore, it has been classified as a Variant of Uncertain Significance.